The following is an entry in ClinVar:

NM_001366385.1(CARD14):c.1663G>A (p.Val555Ile)

Gene: CARD14 (caspase recruitment domain family member 14; plus strand). Cytogenetic location: 17q25.3.
Variant type: single nucleotide variant.
Coding change: c.1663G>A on transcript NM_001366385.1 (MANE Select); coding-DNA position 1663, G replaced by A.
Protein change: p.Val555Ile; replaces valine 555 with isoleucine.
Molecular consequence: missense variant. On other transcripts: non-coding transcript variant (1).
Genome position (GRCh38, 1-based): chr17:80,198,403, G>A. VCF-style: chr17-80198403-G-A. GRCh37 (hg19) VCF-style: chr17-78172202-G-A.
Other names: c.1663G>A, p.Val555Ile (NM_001257970.1, NM_024110.4); c.952G>A, p.Val318Ile (NM_052819.3); c.1663G>A (NM_024110.3); short protein forms V318I, V555I.
Identifiers: ClinVar variation 1009968 (VCV001009968.8), dbSNP rs756136709, ClinGen allele CA8816943.

ClinVar aggregate classification (germline): Uncertain significance. Review status: criteria provided, multiple submitters, no conflicts (2 of 4 stars). 2 submissions from 2 submitters: Uncertain significance (2). Last evaluated 2025-12-16.

Conditions:
Inborn genetic diseases. Identifiers: MedGen C0950123, MeSH D030342.
Pityriasis rubra pilaris (PRP). Also called: Pityriasis rubra pilaris--familial type. Identifiers: Orphanet 2897, MedGen C0032027, MONDO:0100017, OMIM 173200, MONDO:0008251.
Psoriasis 2. Identifiers: MedGen C1864497, MONDO:0011269, OMIM 602723.

Allele frequency attached by ClinVar (database versions not stated): gnomAD 0.00001; gnomAD exomes 0.00002 and 0.00005; ExAC 0.00005; TOPMed 0.00005.
gnomAD v4.1: 38 of 1,600,120 alleles (0.0024%); highest among the groups gnomAD compares: Admixed American, 0.012%; no homozygotes.

Submissions (2):

Labcorp Genetics (formerly Invitae), Labcorp
Classification: Uncertain significance for Pityriasis rubra pilaris; Psoriasis 2. Last evaluated: 2025-12-16. Review status: criteria provided, single submitter. Criteria: Invitae Variant Classification Sherloc (09022015). Collection method: clinical testing. Allele origin: germline.
Comment: This sequence change replaces valine, which is neutral and non-polar, with isoleucine, which is neutral and non-polar, at codon 555 of the CARD14 protein (p.Val555Ile). This variant is present in population databases (rs756136709, gnomAD 0.02%). This variant has not been reported in the literature in individuals affected with CARD14-related conditions. ClinVar contains an entry for this variant (Variation ID: 1009968). Invitae Evidence Modeling of protein sequence and biophysical properties (such as structural, functional, and spatial information, amino acid conservation, physicochemical variation, residue mobility, and thermodynamic stability) indicates that this missense variant is not expected to disrupt CARD14 protein function with a negative predictive value of 95%. In summary, the available evidence is currently insufficient to determine the role of this variant in disease. Therefore, it has been classified as a Variant of Uncertain Significance.

Ambry Genetics
Classification: Uncertain significance for Inborn genetic diseases. Last evaluated: 2021-06-23. Review status: criteria provided, single submitter. Criteria: Ambry Variant Classification Scheme 2023. Collection method: clinical testing. Allele origin: germline.